The following is an entry in ClinVar:

ClinVar aggregate classification (germline): Uncertain significance. Review status: criteria provided, multiple submitters, no conflicts (2 of 4 stars). 2 submissions from 2 submitters: Uncertain significance (2). Last evaluated 2023-07-25.

Allele frequency attached by ClinVar (database versions not stated): TOPMed below 0.00001; gnomAD exomes 0.00002; ExAC 0.00003; gnomAD 0.00004; 1000 Genomes Project 30x 0.00016; 1000 Genomes Project 0.00020.
gnomAD v4.1: 39 of 1,613,738 alleles (0.0024%); highest among the groups gnomAD compares: South Asian, 0.038%; no homozygotes.

Submissions (2):

Ambry Genetics
Classification: Uncertain significance. Last evaluated: 2023-07-25. Review status: criteria provided, single submitter. Criteria: Ambry Variant Classification Scheme 2023. Collection method: clinical testing. Allele origin: germline.

Labcorp Genetics (formerly Invitae), Labcorp
Classification: Uncertain significance. Last evaluated: 2023-04-10. Review status: criteria provided, single submitter. Criteria: Invitae Variant Classification Sherloc (09022015). Collection method: clinical testing. Allele origin: germline.
Comment: This variant has not been reported in the literature in individuals affected with MAPKAPK3-related conditions. This variant is present in population databases (rs557756970, gnomAD 0.05%). This sequence change replaces arginine, which is basic and polar, with tryptophan, which is neutral and slightly polar, at codon 343 of the MAPKAPK3 protein (p.Arg343Trp). ClinVar contains an entry for this variant (Variation ID: 2184966). In summary, the available evidence is currently insufficient to determine the role of this variant in disease. Therefore, it has been classified as a Variant of Uncertain Significance. An algorithm developed to predict the effect of missense changes on protein structure and function (PolyPhen-2) suggests that this variant is likely to be disruptive.

NM_001243925.2(MAPKAPK3):c.1027C>T (p.Arg343Trp)

Gene: MAPKAPK3 (MAPK activated protein kinase 3; plus strand). Cytogenetic location: 3p21.2.
Variant type: single nucleotide variant.
Coding change: c.1027C>T on transcript NM_001243925.2 (MANE Select); coding-DNA position 1027, C replaced by T.
Protein change: p.Arg343Trp; replaces arginine 343 with tryptophan.
Molecular consequence: missense variant.
Genome position (GRCh38, 1-based): chr3:50,647,924, C>T. VCF-style: chr3-50647924-C-T. GRCh37 (hg19) VCF-style: chr3-50685355-C-T.
Other names: c.1027C>T, p.Arg343Trp (NM_001243926.2, NM_004635.5); c.1027C>T (NM_004635.4); short protein forms R343W.
Identifiers: ClinVar variation 2184966 (VCV002184966.6), dbSNP rs557756970, ClinGen allele CA2420468.